The following is an entry in ClinVar:

NM_000094.4(COL7A1):c.3176C>T (p.Pro1059Leu)

Gene: COL7A1 (collagen type VII alpha 1 chain; minus strand). Cytogenetic location: 3p21.31.
Variant type: single nucleotide variant.
Coding change: c.3176C>T on transcript NM_000094.4 (MANE Select); coding-DNA position 3176, C replaced by T.
Protein change: p.Pro1059Leu; replaces proline 1059 with leucine.
Molecular consequence: missense variant.
Genome position (GRCh38, 1-based): chr3:48,587,072, G>A on the plus strand (C>T on the coding strand, the complement: COL7A1 is on the minus strand). VCF-style: chr3-48587072-G-A. GRCh37 (hg19) VCF-style: chr3-48624505-G-A.
Other names: short protein forms P1059L.
Identifiers: ClinVar variation 2875475 (VCV002875475.3), dbSNP rs1013050712, ClinGen allele CA73984791.

ClinVar aggregate classification (germline): Uncertain significance (1 of 4 stars; one submission).

Allele frequency attached by ClinVar (database versions not stated): gnomAD exomes below 0.00001; TOPMed below 0.00001.
gnomAD v4.1: 2 of 1,611,360 alleles (0.00012%); highest among the groups gnomAD compares: Non-Finnish European, 0.00017%; no homozygotes.

Submission:

Labcorp Genetics (formerly Invitae), Labcorp
Classification: Uncertain significance. Last evaluated: 2022-10-23. Review status: criteria provided, single submitter. Criteria: Invitae Variant Classification Sherloc (09022015). Collection method: clinical testing. Allele origin: germline.
Comment: In summary, the available evidence is currently insufficient to determine the role of this variant in disease. Therefore, it has been classified as a Variant of Uncertain Significance. Advanced modeling of protein sequence and biophysical properties (such as structural, functional, and spatial information, amino acid conservation, physicochemical variation, residue mobility, and thermodynamic stability) performed at Invitae indicates that this missense variant is not expected to disrupt COL7A1 protein function. This variant has not been reported in the literature in individuals affected with COL7A1-related conditions. This variant is not present in population databases (gnomAD no frequency). This sequence change replaces proline, which is neutral and non-polar, with leucine, which is neutral and non-polar, at codon 1059 of the COL7A1 protein (p.Pro1059Leu).